The following is an entry in ClinVar:

ClinVar aggregate classification (germline): Uncertain significance (1 of 4 stars; one submission).

Conditions:
Ehlers-Danlos syndrome, classic type, 1 (EDSCL1). Also called: EHLERS-DANLOS SYNDROME, GRAVIS TYPE; EHLERS-DANLOS SYNDROME, SEVERE CLASSIC TYPE; Ehlers-Danlos syndrome, type 1; Ehlers-Danlos Syndrome, Classic Type, COL5A1-Related; EDS I. Identifiers: MedGen C0268335, MONDO:0019567, OMIM 130000.

Submission:

Labcorp Genetics (formerly Invitae), Labcorp
Classification: Uncertain significance for Ehlers-Danlos syndrome, classic type, 1. Last evaluated: 2021-09-20. Review status: criteria provided, single submitter. Criteria: Invitae Variant Classification Sherloc (09022015). Collection method: clinical testing. Allele origin: germline.
Comment: In summary, the available evidence is currently insufficient to determine the role of this variant in disease. Therefore, it has been classified as a Variant of Uncertain Significance. Advanced modeling of protein sequence and biophysical properties (such as structural, functional, and spatial information, amino acid conservation, physicochemical variation, residue mobility, and thermodynamic stability) performed at Invitae indicates that this missense variant is not expected to disrupt COL5A1 protein function. This variant has not been reported in the literature in individuals affected with COL5A1-related conditions. This variant is not present in population databases (ExAC no frequency). This sequence change replaces proline with serine at codon 965 of the COL5A1 protein (p.Pro965Ser). The proline residue is highly conserved and there is a moderate physicochemical difference between proline and serine.

NM_000093.5(COL5A1):c.2893C>T (p.Pro965Ser)

Gene: COL5A1 (collagen type V alpha 1 chain; plus strand). Cytogenetic location: 9q34.3.
Variant type: single nucleotide variant.
Coding change: c.2893C>T on transcript NM_000093.5 (MANE Select); coding-DNA position 2893, C replaced by T.
Protein change: p.Pro965Ser; replaces proline 965 with serine.
Molecular consequence: missense variant.
Genome position (GRCh38, 1-based): chr9:134,796,896, C>T. VCF-style: chr9-134796896-C-T. GRCh37 (hg19) VCF-style: chr9-137688742-C-T.
Other names: c.2893C>T, p.Pro965Ser (NM_001278074.1); short protein forms P965S.
Identifiers: ClinVar variation 1405333 (VCV001405333.6), dbSNP rs755051823, ClinGen allele CA375457159.